The following is an entry in ClinVar:

NM_017636.4(TRPM4):c.1846G>C (p.Ala616Pro)

Gene: TRPM4 (transient receptor potential cation channel subfamily M member 4; plus strand). Cytogenetic location: 19q13.33.
Variant type: single nucleotide variant.
Coding change: c.1846G>C on transcript NM_017636.4 (MANE Select); coding-DNA position 1846, G replaced by C.
Protein change: p.Ala616Pro; replaces alanine 616 with proline.
Molecular consequence: missense variant.
Genome position (GRCh38, 1-based): chr19:49,188,743, G>C. VCF-style: chr19-49188743-G-C. GRCh37 (hg19) VCF-style: chr19-49692000-G-C.
Other names: c.1846G>C, p.Ala616Pro (NM_001195227.2); c.1501G>C, p.Ala501Pro (NM_001321281.2); c.238G>C, p.Ala80Pro (NM_001321282.2); c.1324G>C, p.Ala442Pro (NM_001321283.2); c.784G>C, p.Ala262Pro (NM_001321285.2); short protein forms A262P, A501P, A80P, A616P, A442P.
Identifiers: ClinVar variation 4771987 (VCV004771987.1).
Genomic context (GRCh38, chr19:49,188,743, plus strand): 5'-CTCCGGGTGATGGCACGCCTGGAGCCTGACGCTGAGGAGGCAGCACGGAGGAAAGACCTG[G>C]CGTTCAAGTTTGAGGGGATGGGCGTTGGTGCGTGGGGCACGGTGCCTGGGAGCAGGGACG-3'
Protein context (NP_060106.2, residues 606-626): AEEAARRKDL[Ala616Pro]FKFEGMGVDL

ClinVar aggregate classification (germline): Uncertain significance (1 of 4 stars; one submission).

Conditions:
Progressive familial heart block type IB (PFHB1B). Identifiers: Orphanet 871, MedGen C1970298, MONDO:0011474, OMIM 604559.

gnomAD v4.1: 1 of 1,614,112 alleles (0.000062%); highest among the groups gnomAD compares: Non-Finnish European, 0.000085%; no homozygotes.

Submission:

Labcorp Genetics (formerly Invitae), Labcorp
Classification: Uncertain significance for Progressive familial heart block type IB. Last evaluated: 2026-01-28. Review status: criteria provided, single submitter. Criteria: Invitae Variant Classification Sherloc (09022015). Collection method: clinical testing. Allele origin: germline.
Comment: This sequence change replaces alanine, which is neutral and non-polar, with proline, which is neutral and non-polar, at codon 616 of the TRPM4 protein (p.Ala616Pro). This variant is not present in population databases (gnomAD no frequency). This variant has not been reported in the literature in individuals affected with TRPM4-related conditions. An algorithm developed to predict the effect of missense changes on protein structure and function (PolyPhen-2) suggests that this variant is likely to be tolerated. In summary, the available evidence is currently insufficient to determine the role of this variant in disease. Therefore, it has been classified as a Variant of Uncertain Significance.